The following is an entry in ClinVar:

ClinVar aggregate classification (germline): Uncertain significance. Review status: criteria provided, multiple submitters, no conflicts (2 of 4 stars). 3 submissions from 3 submitters: Uncertain significance (3). Last evaluated 2026-01-07.

Conditions:
Osteopetrosis. Identifiers: Orphanet 2781, MedGen C0029454, MONDO:0017198, HP:0011002.

Allele frequency attached by ClinVar (database versions not stated): TOPMed 0.00010.
gnomAD v4.1: 220 of 1,553,520 alleles (0.014%); highest among the groups gnomAD compares: Non-Finnish European, 0.018%; no homozygotes.

Submissions (4):

Labcorp Genetics (formerly Invitae), Labcorp
Classification: Uncertain significance. Last evaluated: 2026-01-07. Review status: criteria provided, single submitter. Criteria: Invitae Variant Classification Sherloc (09022015). Collection method: clinical testing. Allele origin: germline.
Comment: This sequence change replaces arginine, which is basic and polar, with leucine, which is neutral and non-polar, at codon 674 of the CLCN7 protein (p.Arg674Leu). The frequency data for this variant in the population databases is considered unreliable, as metrics indicate poor data quality at this position in the gnomAD database. This variant has not been reported in the literature in individuals affected with CLCN7-related conditions. ClinVar contains an entry for this variant (Variation ID: 888539). An algorithm developed to predict the effect of missense changes on protein structure and function (PolyPhen-2) suggests that this variant is likely to be tolerated. In summary, the available evidence is currently insufficient to determine the role of this variant in disease. Therefore, it has been classified as a Variant of Uncertain Significance.

Blueprint Genetics
Classification: Uncertain significance. Last evaluated: 2024-08-28. Review status: criteria provided, single submitter. Criteria: ACMG Guidelines, 2015. Collection method: clinical testing. Allele origin: germline.

Illumina Laboratory Services, Illumina
Classification: Uncertain significance for Osteopetrosis. Last evaluated: 2018-01-12. Review status: criteria provided, single submitter. Criteria: ICSL Variant Classification Criteria 13 December 2019. Collection method: clinical testing. Allele origin: germline.

Dr. Peter K. Rogan Lab, Western University
No classification provided (evidence only). Condition: Nonpapillary renal cell carcinoma. Review status: no classification provided. Collection method: in vitro. Allele origin: not applicable. Functional consequence: retained intron. Not counted in ClinVar's aggregate classification.

NM_001287.6(CLCN7):c.2021G>T (p.Arg674Leu)

Gene: CLCN7 (Cl-/H+ antiporter 7; minus strand). Cytogenetic location: 16p13.3.
Variant type: single nucleotide variant.
Coding change: c.2021G>T on transcript NM_001287.6 (MANE Select); coding-DNA position 2021, G replaced by T.
Protein change: p.Arg674Leu; replaces arginine 674 with leucine.
Molecular consequence: missense variant.
Genome position (GRCh38, 1-based): chr16:1,447,707, C>A on the plus strand (G>T on the coding strand, the complement: CLCN7 is on the minus strand). VCF-style: chr16-1447707-C-A. GRCh37 (hg19) VCF-style: chr16-1497708-C-A.
Other names: c.1949G>T, p.Arg650Leu (NM_001114331.3); short protein forms R674L, R650L.
Identifiers: ClinVar variation 888539 (VCV000888539.13), dbSNP rs758816489, ClinGen allele CA7809934.